The following is an entry in ClinVar:

NM_001395656.1(ROBO2):c.*3725T>C

Gene: ROBO2 (roundabout guidance receptor 2; plus strand). Cytogenetic location: 3p12.3.
Variant type: single nucleotide variant.
Coding change: c.*3725T>C on transcript NM_001395656.1 (MANE Select); 3725 bases downstream of the stop codon, T replaced by C.
Molecular consequence: 3 prime UTR variant.
Genome position (GRCh38, 1-based): chr3:77,649,780, T>C. VCF-style: chr3-77649780-T-C. GRCh37 (hg19) VCF-style: chr3-77698931-T-C.
Other names: c.*3725T>C (NM_001128929.3, NM_001290039.2, NM_001290040.2 and 14 more transcripts); c.*3722T>C (NM_001378194.1, NM_001378196.1, NM_001378199.1 and 3 more transcripts).
Identifiers: ClinVar variation 346770 (VCV000346770.6), dbSNP rs149616306, ClinGen allele CA10619626.

ClinVar aggregate classification (germline): Benign (1 of 4 stars; one submission).

Conditions:
Vesicoureteral reflux 2 (VUR2). Identifiers: Orphanet 289365, MedGen C1970483, MONDO:0012573, OMIM 610878.

Allele frequency attached by ClinVar (database versions not stated): 1000 Genomes Project 0.00699; gnomAD 0.00776 and 0.00853; 1000 Genomes Project 30x 0.00812; TOPMed 0.00894.
gnomAD v4.1: 1,172 of 152,234 alleles (0.77%); highest among the groups gnomAD compares: African/African-American, 2.7%; 18 homozygotes.

Submission:

Illumina Laboratory Services, Illumina
Classification: Benign for Vesicoureteral reflux 2. Last evaluated: 2018-01-13. Review status: criteria provided, single submitter. Criteria: ICSL Variant Classification Criteria 13 December 2019. Collection method: clinical testing. Allele origin: germline.
Comment: This variant was observed in the ICSL laboratory as part of a predisposition screen in an ostensibly healthy population. It had not been previously curated by ICSL or reported in the Human Gene Mutation Database (HGMD: prior to June 1st, 2018), and was therefore a candidate for classification through an automated scoring system. Utilizing variant allele frequency, disease prevalence and penetrance estimates, and inheritance mode, an automated score was calculated to assess if this variant is too frequent to cause the disease. Based on the score and internal cut-off values, a variant classified as benign is not then subjected to further curation. The score for this variant resulted in a classification of benign for this disease.